The following is an entry in ClinVar:

NM_001148.6(ANK2):c.1485G>T (p.Arg495Ser)

Gene: ANK2 (ankyrin 2; plus strand). Cytogenetic location: 4q26.
Variant type: single nucleotide variant.
Coding change: c.1485G>T on transcript NM_001148.6 (MANE Select); coding-DNA position 1485, G replaced by T.
Protein change: p.Arg495Ser; replaces arginine 495 with serine.
Molecular consequence: missense variant.
Genome position (GRCh38, 1-based): chr4:113,264,995, G>T. VCF-style: chr4-113264995-G-T. GRCh37 (hg19) VCF-style: chr4-114186151-G-T.
Other names: c.1422G>T, p.Arg474Ser (NM_001127493.3, NM_001354239.2, NM_001354243.2 and 14 more transcripts); c.1485G>T, p.Arg495Ser (NM_001354225.2, NM_001354228.2, NM_001354232.2 and 8 more transcripts); c.1530G>T, p.Arg510Ser (NM_001354230.2, NM_001354231.2, NM_001354237.2 and 5 more transcripts); c.1398G>T, p.Arg466Ser (NM_001354249.2, NM_001354260.2, NM_001354264.2 and 13 more transcripts); c.1443G>T, p.Arg481Ser (NM_001354261.2, NM_001386147.1, NM_001386160.1); c.1275G>T, p.Arg425Ser (NM_001354269.3); c.1287G>T, p.Arg429Ser (NM_001354273.2); c.1200G>T, p.Arg400Ser (NM_001354277.2, NM_001386157.1, NM_001386158.1); and 4 more; short protein forms R425S, R429S, R466S, R483S, R491S, R510S, R495S, R512S.
Identifiers: ClinVar variation 1402515 (VCV001402515.6), dbSNP rs868445887, ClinGen allele CA103811208.

ClinVar aggregate classification (germline): Uncertain significance (1 of 4 stars; one submission).

Conditions:
Long QT syndrome (LQTS). Identifiers: MedGen C0023976, MeSH D008133, MONDO:0002442. Disease mechanism: loss of function. Inheritance: Various modes of inheritance.

Submission:

Labcorp Genetics (formerly Invitae), Labcorp
Classification: Uncertain significance for Long QT syndrome. Last evaluated: 2021-10-19. Review status: criteria provided, single submitter. Criteria: Invitae Variant Classification Sherloc (09022015). Collection method: clinical testing. Allele origin: germline.
Comment: This sequence change replaces arginine with serine at codon 495 of the ANK2 protein (p.Arg495Ser). The arginine residue is highly conserved and there is a moderate physicochemical difference between arginine and serine. This variant also falls at the last nucleotide of exon 14, which is part of the consensus splice site for this exon. This variant is not present in population databases (ExAC no frequency). This variant has not been reported in the literature in individuals affected with ANK2-related conditions. Algorithms developed to predict the effect of missense changes on protein structure and function are either unavailable or do not agree on the potential impact of this missense change (SIFT: "Deleterious"; PolyPhen-2: "Probably Damaging"; Align-GVGD: "Class C0"). Variants that disrupt the consensus splice site are a relatively common cause of aberrant splicing (PMID: 17576681, 9536098). Algorithms developed to predict the effect of sequence changes on RNA splicing suggest that this variant may disrupt the consensus splice site. In summary, the available evidence is currently insufficient to determine the role of this variant in disease. Therefore, it has been classified as a Variant of Uncertain Significance.

Literature cited by the submitters: PubMed 17576681; PubMed 9536098.